The following is an entry in ClinVar:

NM_000642.3(AGL):c.1049T>A (p.Met350Lys)

Gene: AGL (amylo-alpha-1,6-glucosidase and 4-alpha-glucanotransferase; plus strand). Cytogenetic location: 1p21.2.
Variant type: single nucleotide variant.
Coding change: c.1049T>A on transcript NM_000642.3 (MANE Select); coding-DNA position 1049, T replaced by A.
Protein change: p.Met350Lys; replaces methionine 350 with lysine.
Molecular consequence: missense variant.
Genome position (GRCh38, 1-based): chr1:99,874,777, T>A. VCF-style: chr1-99874777-T-A. GRCh37 (hg19) VCF-style: chr1-100340333-T-A.
Other names: c.1049T>A, p.Met350Lys (NM_000028.3, NM_000643.3, NM_000644.3 and 3 more transcripts); c.1001T>A, p.Met334Lys (NM_000646.3); c.845T>A, p.Met282Lys (NM_001425328.1, NM_001425329.1); c.671T>A, p.Met224Lys (NM_001425332.1); short protein forms M334K, M350K, M224K, M282K.
Identifiers: ClinVar variation 1993572 (VCV001993572.4), dbSNP rs761122742, ClinGen allele CA341343364.

ClinVar aggregate classification (germline): Uncertain significance (1 of 4 stars; one submission).

Conditions:
Glycogen storage disease type III (GSD3). Also called: Cori disease; FORBES DISEASE. Identifiers: Orphanet 366, MedGen C0017922, MONDO:0009291, OMIM 232400.

gnomAD v4.1: 1 of 1,613,824 alleles (0.000062%); highest among the groups gnomAD compares: East Asian, 0.0022%; no homozygotes.

Submission:

Labcorp Genetics (formerly Invitae), Labcorp
Classification: Uncertain significance for Glycogen storage disease type III. Last evaluated: 2022-05-12. Review status: criteria provided, single submitter. Criteria: Invitae Variant Classification Sherloc (09022015). Collection method: clinical testing. Allele origin: germline.
Comment: This sequence change replaces methionine, which is neutral and non-polar, with lysine, which is basic and polar, at codon 350 of the AGL protein (p.Met350Lys). This variant is present in population databases (no rsID available, gnomAD 0.06%). This variant has not been reported in the literature in individuals affected with AGL-related conditions. Algorithms developed to predict the effect of missense changes on protein structure and function are either unavailable or do not agree on the potential impact of this missense change (SIFT: "Tolerated"; PolyPhen-2: "Possibly Damaging"; Align-GVGD: "Class C0"). In summary, the available evidence is currently insufficient to determine the role of this variant in disease. Therefore, it has been classified as a Variant of Uncertain Significance.